The following is an entry in ClinVar:

ClinVar aggregate classification (germline): Uncertain significance (1 of 4 stars; one submission).

gnomAD v4.1: 13 of 1,614,062 alleles (0.00081%); highest among the groups gnomAD compares: Non-Finnish European, 0.0011%; no homozygotes.

Submission:

Labcorp Genetics (formerly Invitae), Labcorp
Classification: Uncertain significance. Last evaluated: 2025-12-18. Review status: criteria provided, single submitter. Criteria: Invitae Variant Classification Sherloc (09022015). Collection method: clinical testing. Allele origin: germline.
Comment: This sequence change replaces proline, which is neutral and non-polar, with serine, which is neutral and polar, at codon 234 of the DCHS1 protein (p.Pro234Ser). This variant is not present in population databases (gnomAD no frequency). This missense change has been observed in individual(s) with clinical features of Van Maldergem syndrome (PMID: 36307859). In at least one individual the data is consistent with being in trans (on the opposite chromosome) from a pathogenic variant. ClinVar contains an entry for this variant (Variation ID: 2978501). Invitae Evidence Modeling of protein sequence and biophysical properties (such as structural, functional, and spatial information, amino acid conservation, physicochemical variation, residue mobility, and thermodynamic stability) indicates that this missense variant is not expected to disrupt DCHS1 protein function with a negative predictive value of 95%. In summary, the available evidence is currently insufficient to determine the role of this variant in disease. Therefore, it has been classified as a Variant of Uncertain Significance.

Literature cited by the submitters: PubMed 36307859.

NM_003737.4(DCHS1):c.700C>T (p.Pro234Ser)

Gene: DCHS1 (dachsous cadherin-related 1; minus strand). Cytogenetic location: 11p15.4.
Variant type: single nucleotide variant.
Coding change: c.700C>T on transcript NM_003737.4 (MANE Select); coding-DNA position 700, C replaced by T.
Protein change: p.Pro234Ser; replaces proline 234 with serine.
Molecular consequence: missense variant.
Genome position (GRCh38, 1-based): chr11:6,640,914, G>A on the plus strand (C>T on the coding strand, the complement: DCHS1 is on the minus strand). VCF-style: chr11-6640914-G-A. GRCh37 (hg19) VCF-style: chr11-6662145-G-A.
Other names: short protein forms P234S.
Identifiers: ClinVar variation 2978501 (VCV002978501.3), dbSNP rs756415968, ClinGen allele CA379440877.
Genomic context (GRCh38, chr11:6,640,914, plus strand): 5'-CCGGGGCATGGTCATTGATGTCCAGCAGTGTCACGTCCAGCAGGGCCTGGGCCCTCCGGG[G>A]GGGTGAACCACCATCATAGGCCTCCAGCTGTAGCATATAGTGTGAGCGGTTCTCTCGGTC-3'
Protein context (NP_003728.1, residues 224-244): QLEAYDGGSP[Pro234Ser]RRAQALLDVT